The following is an entry in ClinVar:

ClinVar aggregate classification (germline): Uncertain significance (1 of 4 stars; one submission).

gnomAD v4.1: 2 of 1,605,444 alleles (0.00012%); highest among the groups gnomAD compares: East Asian, 0.0022%; no homozygotes.

Submission:

GeneDx
Classification: Uncertain significance. Last evaluated: 2026-04-12. Review status: criteria provided, single submitter. Criteria: GeneDx Variant Classification Process June 2021. Collection method: clinical testing. Allele origin: germline.
Comment: Not observed at significant frequency in large population cohorts (gnomAD); In silico analysis supports that this missense variant has a deleterious effect on protein structure/function; Has not been previously published as pathogenic or benign to our knowledge

NM_016030.6(TRAPPC12):c.1796C>G (p.Ala599Gly)

Gene: TRAPPC12 (trafficking protein particle complex subunit 12; plus strand). Cytogenetic location: 2p25.3.
Variant type: single nucleotide variant.
Coding change: c.1796C>G on transcript NM_016030.6 (MANE Select); coding-DNA position 1796, C replaced by G.
Protein change: p.Ala599Gly; replaces alanine 599 with glycine.
Molecular consequence: missense variant.
Genome position (GRCh38, 1-based): chr2:3,477,714, C>G. VCF-style: chr2-3477714-C-G. GRCh37 (hg19) VCF-style: chr2-3481485-C-G.
Other names: c.1796C>G, p.Ala599Gly (NM_001321102.2); short protein forms A599G.
Identifiers: ClinVar variation 5018432 (VCV005018432.1).